The following is an entry in ClinVar:

ClinVar aggregate classification (germline): Likely benign (1 of 4 stars; one submission).

Allele frequency attached by ClinVar (database versions not stated): TOPMed 0.00001.

Submission:

CeGaT Center for Human Genetics Tuebingen
Classification: Likely benign. Last evaluated: 2022-05-01. Review status: criteria provided, single submitter. Criteria: CeGaT Center For Human Genetics Tuebingen Variant Classification Criteria Version 2. Collection method: clinical testing. Allele origin: germline. Affected: yes. Observed: 1 variant allele.
Comment: AIFM1: PM2:Supporting, BP4, BP7

NM_004208.4(AIFM1):c.1602A>G (p.Thr534=)

Genes: AIFM1 (apoptosis inducing factor mitochondria associated 1; minus strand), RAB33A (RAB33A, member RAS oncogene family; plus strand). Cytogenetic location: Xq26.1.
Variant type: single nucleotide variant.
Coding change: c.1602A>G on transcript NM_004208.4 (MANE Select); coding-DNA position 1602, A replaced by G.
Protein change: p.Thr534=; no amino-acid change (threonine 534 retained).
Molecular consequence: synonymous variant. On other transcripts: 3 prime UTR variant (1), non-coding transcript variant (1).
Genome position (GRCh38, 1-based): chrX:130,130,138, T>C on the plus strand (A>G on the coding strand, the complement: AIFM1 is on the minus strand). VCF-style: chrX-130130138-T-C. GRCh37 (hg19) VCF-style: chrX-129264113-T-C.
Other names: c.585A>G, p.Thr195= (NM_001130846.4); c.*830A>G (NM_001130847.4); c.1590A>G, p.Thr530= (NM_145812.3).
Identifiers: ClinVar variation 2661429 (VCV002661429.24), dbSNP rs2030004639, ClinGen allele CA518467918.